The following is an entry in ClinVar:

ClinVar aggregate classification (germline): Uncertain significance (1 of 4 stars; one submission).

Submission:

Labcorp Genetics (formerly Invitae), Labcorp
Classification: Uncertain significance. Last evaluated: 2024-01-31. Review status: criteria provided, single submitter. Criteria: Invitae Variant Classification Sherloc (09022015). Collection method: clinical testing. Allele origin: germline.
Comment: This sequence change replaces threonine, which is neutral and polar, with serine, which is neutral and polar, at codon 321 of the IL6ST protein (p.Thr321Ser). This variant is not present in population databases (gnomAD no frequency). This variant has not been reported in the literature in individuals affected with IL6ST-related conditions. An algorithm developed to predict the effect of missense changes on protein structure and function (PolyPhen-2) suggests that this variant is likely to be disruptive. In summary, the available evidence is currently insufficient to determine the role of this variant in disease. Therefore, it has been classified as a Variant of Uncertain Significance.

NM_002184.4(IL6ST):c.962C>G (p.Thr321Ser)

Gene: IL6ST (interleukin 6 cytokine family signal transducer; minus strand). Cytogenetic location: 5q11.2.
Variant type: single nucleotide variant.
Coding change: c.962C>G on transcript NM_002184.4 (MANE Select); coding-DNA position 962, C replaced by G.
Protein change: p.Thr321Ser; replaces threonine 321 with serine.
Molecular consequence: missense variant. On other transcripts: non-coding transcript variant (2).
Genome position (GRCh38, 1-based): chr5:55,960,413, G>C on the plus strand (C>G on the coding strand, the complement: IL6ST is on the minus strand). VCF-style: chr5-55960413-G-C. GRCh37 (hg19) VCF-style: chr5-55256241-G-C.
Other names: c.962C>G, p.Thr321Ser (NM_001190981.2, NM_001364275.2, NM_175767.3); c.752C>G, p.Thr251Ser (NM_001364276.2); c.49C>G, p.Pro17Ala (NM_001364277.2, NM_001364279.2); c.59C>G, p.Thr20Ser (NM_001364278.2); short protein forms P17A, T251S, T321S, T20S.
Identifiers: ClinVar variation 3637869 (VCV003637869.2).